The following is an entry in ClinVar:

NM_001164508.2(NEB):c.3252_3255+3del

Gene: NEB (nebulin; minus strand). Cytogenetic location: 2q23.3.
Variant type: Deletion.
Coding change: c.3252_3255+3del on transcript NM_001164508.2 (MANE Select); coding-DNA position 3252 through 3 bases into the intron after coding-DNA position 3255, 7 bases deleted (TGACGTA; older notation c.3252_3255+3delTGACGTA).
Molecular consequence: splice donor variant.
Genome position (GRCh38, 1-based): chr2:151,679,718-151,679,724, TACGTCA deleted on the plus strand (TGACGTA on the coding strand, the reverse complement: NEB is on the minus strand). VCF-style (leftmost placement, unchanged base first): chr2-151679717-TTACGTCA-T. GRCh37 (hg19) VCF-style: chr2-152536231-TTACGTCA-T.
Other names: c.3252_3255+3del (NM_004543.5, NM_001164507.2, NM_001271208.2); c.3252_3255+3delTGACGTA (NM_001271208.1, NM_001271208.2).
Identifiers: ClinVar variation 632922 (VCV000632922.7), dbSNP rs1559168230, ClinGen allele CA913189489.

ClinVar aggregate classification (germline): Pathogenic/Likely pathogenic. Review status: criteria provided, multiple submitters, no conflicts (2 of 4 stars). 3 submissions from 3 submitters: Pathogenic (1); Likely pathogenic (2). Last evaluated 2025-03-10.

Conditions:
Arthrogryposis multiplex congenita 6. Identifiers: MedGen C5543431, MONDO:0030281, OMIM 619334.
Nemaline myopathy. Also called: Myopathies, Nemaline. Identifiers: Orphanet 607, MedGen C0206157, MONDO:0018958.
Nemaline myopathy 2 (NEM2). Also called: Nemaline myopathy 2, autosomal recessive. Identifiers: MedGen C1850569, MONDO:0009725, OMIM 256030.

Allele frequency attached by ClinVar (database versions not stated): gnomAD exomes below 0.00001.

Submissions (3):

Women's Health and Genetics/Laboratory Corporation of America, LabCorp
Classification: Likely pathogenic for Nemaline myopathy. Last evaluated: 2025-03-10. Review status: criteria provided, single submitter. Criteria: LabCorp Variant Classification Summary - May 2015. Collection method: clinical testing. Allele origin: germline.
Comment: Variant summary: NEB c.3252_3255+3delTGACGTA causes the deletion of 7 nucleotides that overlap the exon/intron junction, which is predicted to result in a frameshift mutation. Several computational tools predict a significant impact on normal splicing: Five predict the variant abolishes a 5 splicing donor site. However, these predictions have yet to be confirmed by functional studies. The variant was absent in 244922 control chromosomes (gnomAD). The variant, c.3252_3255+3delTGACGTA, has been reported in the literature in an individual affected with an unspecified form of NM (Lehtokari_2014). To our knowledge, no experimental evidence demonstrating an impact on protein function has been reported. To our knowledge, no experimental evidence demonstrating an impact on protein function has been reported. The following publication have been ascertained in the context of this evaluation (PMID: 25205138). ClinVar contains an entry for this variant (Variation ID: 632922). Based on the evidence outlined above, the variant was classified as likely pathogenic.

Labcorp Genetics (formerly Invitae), Labcorp
Classification: Likely pathogenic for Nemaline myopathy 2. Last evaluated: 2023-12-14. Review status: criteria provided, single submitter. Criteria: Invitae Variant Classification Sherloc (09022015). Collection method: clinical testing. Allele origin: germline.
Comment: This variant results in the deletion of part of exon 32 (c.3252_3255+3del) of the NEB gene. It is expected to disrupt RNA splicing. Variants that disrupt the donor or acceptor splice site typically lead to a loss of protein function (PMID: 16199547), and loss-of-function variants in NEB are known to be pathogenic (PMID: 25205138). This variant is not present in population databases (gnomAD no frequency). This variant has been observed in individual(s) with clinical features of nemaline myopathy (PMID: 25205138; Invitae). ClinVar contains an entry for this variant (Variation ID: 632922). In summary, the currently available evidence indicates that the variant is pathogenic, but additional data are needed to prove that conclusively. Therefore, this variant has been classified as Likely Pathogenic.

Baylor Genetics
Classification: Pathogenic for Arthrogryposis multiplex congenita 6. Last evaluated: 2023-03-02. Review status: criteria provided, single submitter. Criteria: ACMG Guidelines, 2015. Collection method: clinical testing. Allele origin: unknown.

Literature cited by the submitters: PubMed 25205138 (cited by Women's Health and Genetics/Laboratory Corporation of America, LabCorp and Labcorp Genetics (formerly Invitae), Labcorp); PubMed 16199547 (cited by Labcorp Genetics (formerly Invitae), Labcorp).